The following is an entry in ClinVar:

NM_032408.4(BAZ1B):c.1992A>G (p.Gln664=)

Gene: BAZ1B (bromodomain adjacent to zinc finger domain 1B; minus strand). Cytogenetic location: 7q11.23.
Variant type: single nucleotide variant.
Coding change: c.1992A>G on transcript NM_032408.4 (MANE Select); coding-DNA position 1992, A replaced by G.
Protein change: p.Gln664=; no amino-acid change (glutamine 664 retained).
Molecular consequence: synonymous variant.
Genome position (GRCh38, 1-based): chr7:73,477,469, T>C on the plus strand (A>G on the coding strand, the complement: BAZ1B is on the minus strand). VCF-style: chr7-73477469-T-C. GRCh37 (hg19) VCF-style: chr7-72891799-T-C.
Other names: c.1992A>G, p.Gln664= (NM_001370402.1).
Identifiers: ClinVar variation 754494 (VCV000754494.6), dbSNP rs138938790, ClinGen allele CA4287767.
Genomic context (GRCh38, chr7:73,477,469, plus strand): 5'-AGTCAAGGGGATTTCCGACAGCTTCATTCCCAATTCACCATAGTCTTCTGCTATCTCATC[T>C]TGTAGGAGGGTCTGTAAGAGGATGACCAACACCCTGTTAAGGTATAAAAAGCCACCCTTA-3'
Protein context (NP_115784.1, residues 654-674): VLVILLQTLL[Gln664=]DEIAEDYGEL

ClinVar aggregate classification (germline): Benign. Review status: criteria provided, single submitter (1 of 4 stars). 2 submissions from 2 submitters: Benign (1). 1 of the submissions does not count toward it. Last evaluated 2019-12-31.

Conditions:
BAZ1B-related disorder. Also called: BAZ1B-related condition.

Allele frequency attached by ClinVar (database versions not stated): gnomAD exomes 0.00019 and 0.00043; ExAC 0.00030; gnomAD 0.00041; ESP Exome Variant Server 0.00046; 1000 Genomes Project 0.00060; 1000 Genomes Project 30x 0.00062; TOPMed 0.00073.
gnomAD v4.1: 376 of 1,614,232 alleles (0.023%); highest among the groups gnomAD compares: Admixed American, 0.16%; 1 homozygote.

Submissions (2):

Labcorp Genetics (formerly Invitae), Labcorp
Classification: Benign. Last evaluated: 2019-12-31. Review status: criteria provided, single submitter. Criteria: Invitae Variant Classification Sherloc (09022015). Collection method: clinical testing. Allele origin: germline.

PreventionGenetics, part of Exact Sciences
Classification: Likely benign for BAZ1B-related condition. Last evaluated: 2020-06-15. Review status: no assertion criteria provided. Collection method: clinical testing. Allele origin: germline. Not counted in ClinVar's aggregate classification.
Comment: This variant is classified as likely benign based on ACMG/AMP sequence variant interpretation guidelines (Richards et al. 2015 PMID: 25741868, with internal and published modifications).